The following is an entry in ClinVar:

NM_000256.3(MYBPC3):c.3231dup (p.Trp1078fs)

Gene: MYBPC3 (myosin binding protein C3; minus strand). Cytogenetic location: 11p11.2.
Variant type: Duplication.
Coding change: c.3231dup on transcript NM_000256.3 (MANE Select); coding-DNA position 3231, one base duplicated (C; older notation c.3231dupC).
Protein change: p.Trp1078fs; shifts the reading frame from tryptophan 1078.
Molecular consequence: frameshift variant.
Genome position (GRCh38, 1-based): chr11:47,333,293, G duplicated on the plus strand (C on the coding strand, the reverse complement: MYBPC3 is on the minus strand); the first of 2 consecutive G bases (chr11:47,333,293-47,333,294); duplicating either gives the same sequence. VCF-style (leftmost placement, unchanged base first): chr11-47333292-A-AG. GRCh37 (hg19) VCF-style: chr11-47354843-A-AG.
Other names: short protein forms W1078fs.
Identifiers: ClinVar variation 1361860 (VCV001361860.6), dbSNP rs2142850980, ClinGen allele CA2573146365.

ClinVar aggregate classification (germline): Pathogenic (1 of 4 stars; one submission).

Conditions:
Hypertrophic cardiomyopathy. Also called: HYPERTROPHIC MYOCARDIOPATHY. Identifiers: Orphanet 217569, MedGen C0007194, MeSH D002312, MONDO:0005045, HP:0001639.

Submission:

Labcorp Genetics (formerly Invitae), Labcorp
Classification: Pathogenic for Hypertrophic cardiomyopathy. Last evaluated: 2022-12-02. Review status: criteria provided, single submitter. Criteria: Invitae Variant Classification Sherloc (09022015). Collection method: clinical testing. Allele origin: germline.
Comment: For these reasons, this variant has been classified as Pathogenic. ClinVar contains an entry for this variant (Variation ID: 1361860). This variant has not been reported in the literature in individuals affected with MYBPC3-related conditions. This variant is not present in population databases (gnomAD no frequency). This sequence change creates a premature translational stop signal (p.Trp1078Leufs*4) in the MYBPC3 gene. It is expected to result in an absent or disrupted protein product. Loss-of-function variants in MYBPC3 are known to be pathogenic (PMID: 19574547).

Literature cited by the submitters: PubMed 19574547.